The following is an entry in ClinVar:

NM_002439.5(MSH3):c.2845C>T (p.Gln949Ter)

Gene: MSH3 (mutS homolog 3; plus strand). Cytogenetic location: 5q14.1.
Variant type: single nucleotide variant.
Coding change: c.2845C>T on transcript NM_002439.5 (MANE Select); coding-DNA position 2845, C replaced by T.
Protein change: p.Gln949Ter; replaces glutamine 949 with a stop codon.
Molecular consequence: nonsense.
Genome position (GRCh38, 1-based): chr5:80,854,161, C>T. VCF-style: chr5-80854161-C-T. GRCh37 (hg19) VCF-style: chr5-80149980-C-T.
Other names: short protein forms Q949*.
Identifiers: ClinVar variation 444657 (VCV000444657.48), dbSNP rs758546167, ClinGen allele CA3328385.
Genomic context (GRCh38, chr5:80,854,161, plus strand): 5'-AAATCAAGGTGTTTTCATCTTGCTTGTAGGATGGGTGCTGCAGACAATATATATAAAGGA[C>T]AGAGTACATTTATGGAAGAACTGACTGACACAGCAGAAATAATCAGAAAAGCAACATCAC-3'

ClinVar aggregate classification (germline): Conflicting classifications of pathogenicity. Review status: criteria provided, conflicting classifications (1 of 4 stars). 5 submissions from 5 submitters: Pathogenic (1); Likely pathogenic (3); Uncertain significance (1). Last evaluated 2025-03-04.

Conditions:
Familial adenomatous polyposis 4 (FAP4). Also called: MSH3-related attenuated familial adenomatous polyposis. Identifiers: Orphanet 480536, MedGen C4310719, MONDO:0044300, OMIM 617100.
Endometrial carcinoma. Also called: Endometrial carcinoma, somatic. Identifiers: MedGen C0476089, MONDO:0002447, OMIM 608089, HP:0012114.
Hereditary cancer-predisposing syndrome. Also called: Hereditary neoplastic syndrome; Tumor predisposition; Neoplastic Syndromes, Hereditary; Hereditary Cancer Syndrome. Identifiers: Orphanet 140162, MedGen C0027672, MeSH D009386, MONDO:0015356.

Allele frequency attached by ClinVar (database versions not stated): gnomAD exomes 0.00006 and 0.00001; gnomAD 0.00001 and 0.00002; TOPMed 0.00003; ExAC 0.00004.
gnomAD v4.1: 20 of 1,613,310 alleles (0.0012%); highest among the groups gnomAD compares: East Asian, 0.016%; no homozygotes.

Submissions (5):

Center for Genomic Medicine, Rigshospitalet, Copenhagen University Hospital
Classification: Likely pathogenic. Last evaluated: 2025-03-04. Review status: criteria provided, single submitter. Criteria: ACMG Guidelines, 2015. Collection method: clinical testing. Allele origin: germline.

Baylor Genetics
Classification: Likely pathogenic for Endometrial carcinoma. Last evaluated: 2023-10-16. Review status: criteria provided, single submitter. Criteria: ACMG Guidelines, 2015. Collection method: clinical testing. Allele origin: unknown.

Ambry Genetics
Classification: Pathogenic for Hereditary cancer-predisposing syndrome. Last evaluated: 2021-07-29. Review status: criteria provided, single submitter. Criteria: Ambry Variant Classification Scheme 2023. Collection method: clinical testing. Allele origin: germline.
Comment: The p.Q949* pathogenic mutation (also known as c.2845C>T), located in coding exon 21 of the MSH3 gene, results from a C to T substitution at nucleotide position 2845. This changes the amino acid from a glutamine to a stop codon within coding exon 21. This alteration is expected to result in loss of function by premature protein truncation or nonsense-mediated mRNA decay. As such, this alteration is interpreted as a disease-causing mutation.

CeGaT Center for Human Genetics Tuebingen
Classification: Uncertain significance. Last evaluated: 2017-05-01. Review status: criteria provided, single submitter. Criteria: CeGaT Center For Human Genetics Tuebingen Variant Classification Criteria Version 2. Collection method: clinical testing. Allele origin: germline. Affected: yes. Observed: 1 variant allele.

Juno Genomics, Hangzhou Juno Genomics, Inc
Classification: Likely pathogenic for Endometrial carcinoma; Familial adenomatous polyposis 4. Review status: criteria provided, single submitter. Criteria: ACMG Guidelines, 2015. Collection method: clinical testing. Allele origin: germline.
Comment: Null variant in a gene where loss of function (LOF) is a known mechanism of disease.;Absent from controls (or at extremely low frequency if recessive) in Genome Aggregation Database.

Literature cited by the submitters: PubMed 30740464 (cited by Ambry Genetics).